The following is an entry in ClinVar:

NM_000393.5(COL5A2):c.10A>C (p.Asn4His)

Gene: COL5A2 (collagen type V alpha 2 chain; minus strand). Cytogenetic location: 2q32.2.
Variant type: single nucleotide variant.
Coding change: c.10A>C on transcript NM_000393.5 (MANE Select); coding-DNA position 10, A replaced by C.
Protein change: p.Asn4His; replaces asparagine 4 with histidine.
Molecular consequence: missense variant.
Genome position (GRCh38, 1-based): chr2:189,179,595, T>G on the plus strand (A>C on the coding strand, the complement: COL5A2 is on the minus strand). VCF-style: chr2-189179595-T-G. GRCh37 (hg19) VCF-style: chr2-190044321-T-G.
Other names: short protein forms N4H.
Identifiers: ClinVar variation 1307880 (VCV001307880.2), dbSNP rs1426460695, ClinGen allele CA349986350.

ClinVar aggregate classification (germline): Uncertain significance (1 of 4 stars; one submission).

Submission:

GeneDx
Classification: Uncertain significance. Last evaluated: 2019-08-12. Review status: criteria provided, single submitter. Criteria: GeneDx Variant Classification Process June 2021. Collection method: clinical testing. Allele origin: germline. Affected: yes.
Comment: Has not been previously published as pathogenic or benign to our knowledge; Not observed in large population cohorts (Lek et al., 2016); In silico analysis, which includes protein predictors and evolutionary conservation, supports that this variant does not alter protein structure/function; Not located in the triple helical region, where the majority of pathogenic missense variants occur (Symoens et al., 2012; Stenson et al., 2014)